The following is an entry in ClinVar:

NM_004655.4(AXIN2):c.2439C>T (p.Ala813=)

Gene: AXIN2 (axin 2; minus strand). Cytogenetic location: 17q24.1.
Variant type: single nucleotide variant.
Coding change: c.2439C>T on transcript NM_004655.4 (MANE Select); coding-DNA position 2439, C replaced by T.
Protein change: p.Ala813=; no amino-acid change (alanine 813 retained).
Molecular consequence: synonymous variant.
Genome position (GRCh38, 1-based): chr17:65,530,069, G>A on the plus strand (C>T on the coding strand, the complement: AXIN2 is on the minus strand). VCF-style: chr17-65530069-G-A. GRCh37 (hg19) VCF-style: chr17-63526187-G-A.
Other names: c.2439C>T (LRG_296t1); c.2244C>T, p.Ala748= (NM_001363813.1).
Identifiers: ClinVar variation 240015 (VCV000240015.39), dbSNP rs149533605, ClinGen allele CA8718287.

ClinVar aggregate classification (germline): Benign/Likely benign. Review status: criteria provided, multiple submitters, no conflicts (2 of 4 stars). 11 submissions from 11 submitters: Benign (6); Likely benign (5). Last evaluated 2026-02-01.

Conditions:
Hereditary cancer-predisposing syndrome. Also called: Tumor predisposition; Hereditary Cancer Syndrome; Neoplastic Syndromes, Hereditary; Hereditary neoplastic syndrome. Identifiers: Orphanet 140162, MedGen C0027672, MeSH D009386, MONDO:0015356.
Oligodontia-cancer predisposition syndrome. Also called: TOOTH AGENESIS-COLORECTAL CANCER SYNDROME. Identifiers: Orphanet 300576, MedGen C1837750, MONDO:0012075, OMIM 608615. Disease mechanism: loss of function.

Allele frequency attached by ClinVar (database versions not stated): gnomAD exomes 0.00012 and 0.00035; ExAC 0.00042; 1000 Genomes Project 30x 0.00094; 1000 Genomes Project 0.00100; ESP Exome Variant Server 0.00138; gnomAD 0.00143 and 0.00157; TOPMed 0.00151.
gnomAD v4.1: 403 of 1,614,124 alleles (0.025%); highest among the groups gnomAD compares: African/African-American, 0.49%; 2 homozygotes.

Submissions (11):

Labcorp Genetics (formerly Invitae), Labcorp
Classification: Benign for Oligodontia-cancer predisposition syndrome. Last evaluated: 2026-02-01. Review status: criteria provided, single submitter. Criteria: Invitae Variant Classification Sherloc (09022015). Collection method: clinical testing. Allele origin: germline.

Center for Genomic Medicine, Rigshospitalet, Copenhagen University Hospital
Classification: Likely benign. Last evaluated: 2025-12-29. Review status: criteria provided, single submitter. Criteria: ACMG Guidelines, 2015. Collection method: clinical testing. Allele origin: germline.

CeGaT Center for Human Genetics Tuebingen
Classification: Likely benign. Last evaluated: 2025-09-01. Review status: criteria provided, single submitter. Criteria: CeGaT Center For Human Genetics Tuebingen Variant Classification Criteria Version 2. Collection method: clinical testing. Allele origin: germline. Affected: yes. Observed: 2 variant alleles.
Comment: AXIN2: BP4, BP7, BS1

KCCC/NGS Laboratory, Kuwait Cancer Control Center
Classification: Benign for Oligodontia-cancer predisposition syndrome. Last evaluated: 2025-02-01. Review status: criteria provided, single submitter. Criteria: ACMG Guidelines, 2015. Collection method: clinical testing. Allele origin: germline. Affected: no.

Myriad Genetics, Inc.
Classification: Benign for Oligodontia-cancer predisposition syndrome. Last evaluated: 2024-07-11. Review status: criteria provided, single submitter. Criteria: Myriad Autosomal Dominant, Autosomal Recessive and X-Linked Classification Criteria (2023). Collection method: clinical testing. Allele origin: unknown.
Comment: This variant is considered benign. This variant is a silent/synonymous amino acid change and it is not expected to impact splicing.

Genetic Services Laboratory, University of Chicago
Classification: Likely benign. Last evaluated: 2022-01-04. Review status: criteria provided, single submitter. Criteria: ACMG Guidelines, 2015. Collection method: clinical testing. Allele origin: germline. Affected: no.

Quest Diagnostics Nichols Institute San Juan Capistrano
Classification: Benign. Last evaluated: 2021-07-27. Review status: criteria provided, single submitter. Criteria: Quest Diagnostics criteria. Collection method: clinical testing. Allele origin: unknown.

Sema4
Classification: Benign for Hereditary cancer-predisposing syndrome. Last evaluated: 2020-10-13. Review status: criteria provided, single submitter. Criteria: Sema4 Curation Guidelines. Collection method: curation. Allele origin: germline.

Ambry Genetics
Classification: Likely benign for Hereditary cancer-predisposing syndrome. Last evaluated: 2018-10-30. Review status: criteria provided, single submitter. Criteria: Ambry Variant Classification Scheme 2023. Collection method: clinical testing. Allele origin: germline.

GeneDx
Classification: Benign. Last evaluated: 2015-03-03. Review status: criteria provided, single submitter. Criteria: GeneDx Variant Classification Process June 2021. Collection method: clinical testing. Allele origin: germline. Affected: yes.

Breakthrough Genomics
Classification: Likely benign. Review status: criteria provided, single submitter. Criteria: ACMG Guidelines, 2015. Collection method: not provided. Allele origin: germline. Inheritance: Autosomal dominant inheritance. Affected: yes.